The following is an entry in ClinVar:

ClinVar aggregate classification (germline): Conflicting classifications of pathogenicity. Review status: criteria provided, conflicting classifications (1 of 4 stars). 5 submissions from 5 submitters: Pathogenic (2); Likely pathogenic (1); Uncertain significance (2). Last evaluated 2026-08-10.

Conditions:
Neurodevelopmental disorder with or without autism or seizures (NEDAUS). Identifiers: MedGen C5543225, MONDO:0030994, OMIM 619239.
CUL3-related disorder. Also called: CUL3-related disorders; CUL3-related condition.

Submissions (5):

PreventionGenetics, part of Exact Sciences
Classification: Uncertain significance for CUL3-related condition. Last evaluated: 2026-08-10. Review status: criteria provided, single submitter. Criteria: ACMG Guidelines, 2015. Collection method: clinical testing. Allele origin: germline.
Comment: The CUL3 c.383G>A variant is predicted to result in the amino acid substitution p.Arg128His. This variant has been reported in large cohort studies of individuals with neurodevelopmental disorders (reported as c.185G>A (p.Arg62His) in Wang et al. 2020. PubMed ID: 33004838. Table S5; Seo et al. 2022. PubMed ID: 35346031). This variant has not been reported in a large population database indicating this variant is rare. At this time, the clinical significance of this variant is uncertain due to the absence of conclusive functional and genetic evidence.

Laboratory of Genetics, Children's Clinical University Hospital Latvia
Classification: Pathogenic. Last evaluated: 2025-02-16. Review status: criteria provided, single submitter. Criteria: ACMG Guidelines, 2015. Collection method: clinical testing. Allele origin: germline. Affected: yes.

New York Genome Center
Classification: Likely pathogenic for Neurodevelopmental disorder with or without autism or seizures. Last evaluated: 2023-12-19. Review status: criteria provided, single submitter. Criteria: NYGC Assertion Criteria 2020. Collection method: clinical testing. Allele origin: de novo. Affected: yes. Observed: 1 variant allele, 1 heterozygote.
Comment: The de novo c.383G>A p.(Arg128His) variant identified in the CUL3 gene has previously been reported in two individuals from neurodevelopmental delay(NDD) cohorts including one individual with intellectual disability, mild learning disability, microcephaly, overgrowth and speech delay [PMID: 35346031, 33004838]. It has been deposited in ClinVar with conflicting interpretations of pathogenicity. One Pathogenic entry in ClinVar is from a clinical lab in which the submitter detectedthis variant in four heterozygous individuals with NDD, including two de novo occurrences [Variation ID: 1254497] (personal communication). The c.383G>A variant isabsent from population databases (gnomAD v4.0.0, TOPMed Freeze 8, All of Us), suggesting it is not a common benign variant in the populations represented inthose databases. The c.383G>A variant is located in exon 4 of this 16-exon gene and is predicted to replace an evolutionary conserved arginine amino acid forhistidine at position 128 of the encoded protein (p.(Arg128His)). In silico predictions are neither in favor of nor against a damaging effect for the p.(Arg128His) variant[REVEL = 0.496]; and there are no functional studies to support or refute these predictions. Another Likely Pathogenic variant at the same amino acid position,p.(Arg128Cys), has been deposited in ClinVar [Variation ID: 2430748]. Based on available evidence, the heterozygous de novo c.383G>A p.(Arg128His) variant identified in the CUL3 gene is classified as Likely Pathogenic.

GeneDx
Classification: Pathogenic. Last evaluated: 2023-07-10. Review status: criteria provided, single submitter. Criteria: GeneDx Variant Classification Process June 2021. Collection method: clinical testing. Allele origin: germline. Affected: yes.
Comment: Not observed at significant frequency in large population cohorts (gnomAD); In silico analysis supports that this missense variant has a deleterious effect on protein structure/function; This variant is associated with the following publications: (PMID: 33004838)

3billion
Classification: Uncertain significance for Neurodevelopmental disorder with or without autism or seizures. Last evaluated: 2021-10-25. Review status: criteria provided, single submitter. Criteria: ACMG Guidelines, 2015. Collection method: clinical testing. Allele origin: unknown. Affected: yes. Observed: 1 heterozygote.
Comment: Same nucleotide change resulting in same amino acid change has been previously reported to be associated with CUL3 related disorder (ClinVar ID:VCV001254497.2). However, the evidence of pathogenicity is insufficient at this time. It is not observed in the gnomAD v2.1.1 dataset (PM2). In silico tool predictions suggest damaging effect of the variant on gene or gene product (3Cnet: 0.752, PP3). Therefore, this variant is classified as uncertain significance according to the recommendation of ACMG/AMP guideline.

Literature cited by the submitters: PubMed 35346031 (cited by New York Genome Center); PubMed 33004838 (cited by New York Genome Center).

NM_003590.5(CUL3):c.383G>A (p.Arg128His)

Gene: CUL3 (cullin 3; minus strand). Cytogenetic location: 2q36.2.
Variant type: single nucleotide variant.
Coding change: c.383G>A on transcript NM_003590.5 (MANE Select); coding-DNA position 383, G replaced by A.
Protein change: p.Arg128His; replaces arginine 128 with histidine.
Molecular consequence: missense variant.
Genome position (GRCh38, 1-based): chr2:224,514,768, C>T on the plus strand (G>A on the coding strand, the complement: CUL3 is on the minus strand). VCF-style: chr2-224514768-C-T. GRCh37 (hg19) VCF-style: chr2-225379485-C-T.
Other names: c.185G>A, p.Arg62His (NM_001257197.2); c.401G>A, p.Arg134His (NM_001257198.2); short protein forms R128H, R134H, R62H.
Identifiers: ClinVar variation 1254497 (VCV001254497.8), dbSNP rs2106223773, ClinGen allele CA350832334.